The following is an entry in ClinVar:

NM_001110556.2(FLNA):c.4908C>T (p.Ala1636=)

Gene: FLNA (filamin A; minus strand). Cytogenetic location: Xq28.
Variant type: single nucleotide variant.
Coding change: c.4908C>T on transcript NM_001110556.2 (MANE Select); coding-DNA position 4908, C replaced by T.
Protein change: p.Ala1636=; no amino-acid change (alanine 1636 retained).
Molecular consequence: synonymous variant.
Genome position (GRCh38, 1-based): chrX:154,357,471, G>A on the plus strand (C>T on the coding strand, the complement: FLNA is on the minus strand). VCF-style: chrX-154357471-G-A. GRCh37 (hg19) VCF-style: chrX-153585839-G-A.
Other names: c.4908C>T (NM_001110556.1); c.4908C>T, p.Ala1636= (NM_001456.4).
Identifiers: ClinVar variation 377886 (VCV000377886.20), dbSNP rs367979917, ClinGen allele CA10560446.
Genomic context (GRCh38, chrX:154,357,471, plus strand): 5'-CGGCCAACAGCGGGCGGGCTCACCTGTGACAGTGCACTTGCTGGCGTCCCCGGTGGGCAC[G>A]GCACGCACGCGGTACGGGGAGAAGGGGATCTCGTCACCACCGTACTTGATGAGGATGGTG-3'
Protein context (NP_001104026.1, residues 1626-1646): EIPFSPYRVR[Ala1636=]VPTGDASKCT

ClinVar aggregate classification (germline): Benign/Likely benign. Review status: criteria provided, multiple submitters, no conflicts (2 of 4 stars). 7 submissions from 7 submitters: Benign (1); Likely benign (5). 1 of the submissions does not count toward it. Last evaluated 2026-01-13.

Conditions:
Terminal osseous dysplasia-pigmentary defects syndrome. Also called: ODPF SYNDROME; OSSEOUS DYSPLASIA, DIGITAL, WITH FACIAL PIGMENTARY DEFECTS AND MULTIPLE FRENULA; Terminal Osseous Dysplasia (FLNA-TOD); ODPD; TERMINAL OSSEOUS DYSPLASIA AND PIGMENTARY DEFECTS. Identifiers: Orphanet 88630, MedGen C1846129, MONDO:0010279, OMIM 300244.
Melnick-Needles syndrome (MNS). Also called: MELNICK-NEEDLES OSTEODYSPLASTY; OSTEODYSPLASTY OF MELNICK AND NEEDLES; Melnick-Needles Syndrome (FLNA-MNS). Identifiers: Orphanet 2484, MedGen C0025237, MONDO:0010650, OMIM 309350.
FG syndrome 2 (FGS2). Identifiers: MedGen C1845902, MONDO:0010297, OMIM 300321.
Oto-palato-digital syndrome, type I (OPD1). Also called: Otopalatodigital Syndrome, Type I; OPD I SYNDROME; OPD SYNDROME 1; Taybi syndrome; Otopalatodigital Syndrome Type 1 (FLNA-OPD1). Identifiers: Orphanet 669, Orphanet 90650, MedGen C0265251, MONDO:0010704, OMIM 311300.
Oto-palato-digital syndrome, type II (OPD2). Also called: FACIOPALATOOSSEOUS SYNDROME; Otopalatodigital Syndrome, Type II; OPD II SYNDROME; Otopalatodigital Syndrome Type 2 (FLNA-OPD2). Identifiers: Orphanet 669, Orphanet 90652, MedGen C1844696, MONDO:0010571, OMIM 304120.
Intestinal pseudoobstruction, neuronal, chronic idiopathic, X-linked (CIIPX). Also called: CONGENITAL IDIOPATHIC INTESTINAL PSEUDOOBSTRUCTION; INTESTINAL PSEUDOOBSTRUCTION, NEURONAL, CHRONIC IDIOPATHIC, WITH CENTRAL NERVOUS SYSTEM INVOLVEMENT; FLNA-Related Periventricular Nodular Heterotopia (FLNA-Related PVNH; Huttenlocher Syndrome). Identifiers: Orphanet 2301, MedGen C2746068, MONDO:0010232, OMIM 300048.
Heterotopia, periventricular, X-linked dominant (PVNH1). Also called: PERIVENTRICULAR NODULAR HETEROTOPIA 1; PERIVENTRICULAR NODULAR HETEROTOPIA 4; HETEROTOPIA, PERIVENTRICULAR, 1; X-linked periventricular heterotopia. Identifiers: Orphanet 2149, Orphanet 82004, MedGen C1848213, MONDO:0010233, OMIM 300049.
Frontometaphyseal dysplasia 1 (FMD1). Also called: Frontometaphyseal Dysplasia (FLNA-FMD). Identifiers: Orphanet 1826, MedGen C4281559, MONDO:0024550, OMIM 305620.
Cardiac valvular dysplasia, X-linked (CVDPX). Also called: FLNA-Related X-linked Cardiac Valvular Dysplasia; MYXOMATOUS VALVULAR DYSTROPHY, X-LINKED; VALVULAR HEART DISEASE, CONGENITAL; Isolated X-Linked Cardiac Valvular Dysplasia; Congenital valvular dysplasia. Identifiers: Orphanet 1864, Orphanet 555877, Orphanet 75497, MedGen C0262436, MONDO:0010753, OMIM 314400.
Frontometaphyseal dysplasia (FMD1). Identifiers: Orphanet 1826, MedGen C0265293, MONDO:0015942.
Familial thoracic aortic aneurysm and aortic dissection (TAAD). Also called: Thoracic aortic aneurysms and dissections. Identifiers: Orphanet 91387, MedGen C4707243, MONDO:0019625.
FLNA-related disorder.

Allele frequency attached by ClinVar (database versions not stated): gnomAD 0.00009; TOPMed 0.00010; gnomAD exomes 0.00011 and 0.00014; ESP Exome Variant Server 0.00019; ExAC 0.00023.
gnomAD v4.1: 127 of 1,209,567 alleles (0.01%); highest among the groups gnomAD compares: Non-Finnish European, 0.013%; no homozygotes.

Submissions (7):

Labcorp Genetics (formerly Invitae), Labcorp
Classification: Benign for Oto-palato-digital syndrome, type II; Heterotopia, periventricular, X-linked dominant; Frontometaphyseal dysplasia; Melnick-Needles syndrome. Last evaluated: 2026-01-13. Review status: criteria provided, single submitter. Criteria: Invitae Variant Classification Sherloc (09022015). Collection method: clinical testing. Allele origin: germline.

Blueprint Genetics
Classification: Likely benign. Last evaluated: 2024-06-07. Review status: criteria provided, single submitter. Criteria: ACMG Guidelines, 2015. Collection method: clinical testing. Allele origin: germline.

Fulgent Genetics
Classification: Likely benign for Intestinal pseudoobstruction, neuronal, chronic idiopathic, X-linked; Heterotopia, periventricular, X-linked dominant; Terminal osseous dysplasia-pigmentary defects syndrome; FG syndrome 2; Oto-palato-digital syndrome, type II; Frontometaphyseal dysplasia 1; Melnick-Needles syndrome; Oto-palato-digital syndrome, type I; Cardiac valvular dysplasia, X-linked. Last evaluated: 2022-05-06. Review status: criteria provided, single submitter. Criteria: ACMG Guidelines, 2015. Collection method: clinical testing. Allele origin: unknown.

ARUP Laboratories, Molecular Genetics and Genomics, ARUP Laboratories
Classification: Likely benign. Last evaluated: 2022-04-14. Review status: criteria provided, single submitter. Criteria: ARUP Molecular Germline Variant Investigation Process 2021. Collection method: clinical testing. Allele origin: germline.

Ambry Genetics
Classification: Likely benign for Familial thoracic aortic aneurysm and aortic dissection. Last evaluated: 2018-10-30. Review status: criteria provided, single submitter. Criteria: Ambry Variant Classification Scheme 2023. Collection method: clinical testing. Allele origin: germline.

GeneDx
Classification: Likely benign. Last evaluated: 2017-11-13. Review status: criteria provided, single submitter. Criteria: GeneDx Variant Classification (06012015). Collection method: clinical testing. Allele origin: germline. Affected: yes.
Comment: This variant is considered likely benign or benign based on one or more of the following criteria: it is a conservative change, it occurs at a poorly conserved position in the protein, it is predicted to be benign by multiple in silico algorithms, and/or has population frequency not consistent with disease.

PreventionGenetics, part of Exact Sciences
Classification: Likely benign for FLNA-related condition. Last evaluated: 2019-11-14. Review status: no assertion criteria provided. Collection method: clinical testing. Allele origin: germline. Not counted in ClinVar's aggregate classification.
Comment: This variant is classified as likely benign based on ACMG/AMP sequence variant interpretation guidelines (Richards et al. 2015 PMID: 25741868, with internal and published modifications).